The following is an entry in ClinVar:

ClinVar aggregate classification (germline): Uncertain significance. Review status: criteria provided, multiple submitters, no conflicts (2 of 4 stars). 2 submissions from 2 submitters: Uncertain significance (2). Last evaluated 2024-12-24.

Conditions:
Inborn genetic diseases. Identifiers: MedGen C0950123, MeSH D030342.

Submissions (2):

Ambry Genetics
Classification: Uncertain significance for Inborn genetic diseases. Last evaluated: 2024-12-24. Review status: criteria provided, single submitter. Criteria: Ambry Variant Classification Scheme 2023. Collection method: clinical testing. Allele origin: germline.

GeneDx
Classification: Uncertain significance. Last evaluated: 2023-10-02. Review status: criteria provided, single submitter. Criteria: GeneDx Variant Classification Process June 2021. Collection method: clinical testing. Allele origin: germline. Affected: yes.
Comment: Not observed at significant frequency in large population cohorts (gnomAD); In silico analysis supports that this missense variant does not alter protein structure/function; Has not been previously published as pathogenic or benign to our knowledge

NM_007118.4(TRIO):c.718A>G (p.Ile240Val)

Gene: TRIO (trio Rho guanine nucleotide exchange factor; plus strand). Cytogenetic location: 5p15.2.
Variant type: single nucleotide variant.
Coding change: c.718A>G on transcript NM_007118.4 (MANE Select); coding-DNA position 718, A replaced by G.
Protein change: p.Ile240Val; replaces isoleucine 240 with valine.
Molecular consequence: missense variant. On other transcripts: non-coding transcript variant (1).
Genome position (GRCh38, 1-based): chr5:14,290,893, A>G. VCF-style: chr5-14290893-A-G. GRCh37 (hg19) VCF-style: chr5-14291002-A-G.
Other names: short protein forms I240V.
Identifiers: ClinVar variation 3252488 (VCV003252488.2), dbSNP rs2532138481.